The following is an entry in ClinVar:

ClinVar aggregate classification (germline): Uncertain significance. Review status: criteria provided, multiple submitters, no conflicts (2 of 4 stars). 3 submissions from 3 submitters: Uncertain significance (3). Last evaluated 2025-04-29.

Conditions:
Epidermolysis bullosa simplex 5B, with muscular dystrophy (EBS5B). Also called: Epidermolysis bullosa simplex with muscular dystrophy; EPIDERMOLYSIS BULLOSA SIMPLEX AND LIMB-GIRDLE MUSCULAR DYSTROPHY. Identifiers: Orphanet 257, MedGen C2931072, MONDO:0009181, OMIM 226670.
Epidermolysis bullosa simplex 5C, with pyloric atresia (EBS5C). Also called: PLEC1-Related Epidermolysis Bullosa with Pyloric Atresia; PLEC-Related Epidermolysis Bullosa with Pyloric Atresia; Epidermolysis bullosa simplex with pyloric atresia. Identifiers: Orphanet 158684, MedGen C2677349, MONDO:0012807, OMIM 612138.
Autosomal recessive limb-girdle muscular dystrophy type 2Q (LGMDR17). Also called: MUSCULAR DYSTROPHY, LIMB-GIRDLE, AUTOSOMAL RECESSIVE 17. Identifiers: Orphanet 254361, MedGen C3150989, MONDO:0013390, OMIM 613723.
Epidermolysis bullosa simplex, Ogna type (EBS5A). Also called: Pidermolysis bullosa simplex 5A, Ogna type; EPIDERMOLYSIS BULLOSA SIMPLEX 5A, OGNA TYPE. Identifiers: Orphanet 79401, MedGen C0432317, MONDO:0007555, OMIM 131950.
Epidermolysis bullosa simplex with nail dystrophy (EBS5D). Identifiers: MedGen C4225309, MONDO:0014661, OMIM 616487.
Inborn genetic diseases. Identifiers: MedGen C0950123, MeSH D030342.

Allele frequency attached by ClinVar (database versions not stated): gnomAD exomes 0.00002; gnomAD 0.00003; ExAC 0.00006; ESP Exome Variant Server 0.00008.
gnomAD v4.1: 37 of 1,606,998 alleles (0.0023%); highest among the groups gnomAD compares: African/African-American, 0.012%; no homozygotes.

Submissions (3):

Mayo Clinic Laboratories, Mayo Clinic
Classification: Uncertain significance. Last evaluated: 2025-04-29. Review status: criteria provided, single submitter. Criteria: ACMG Guidelines, 2015. Collection method: clinical testing. Allele origin: germline. Observed: 2 variant alleles.
Comment: BP4_moderate

Labcorp Genetics (formerly Invitae), Labcorp
Classification: Uncertain significance for Autosomal recessive limb-girdle muscular dystrophy type 2Q; Epidermolysis bullosa simplex, Ogna type; Epidermolysis bullosa simplex with nail dystrophy; Epidermolysis bullosa simplex 5C, with pyloric atresia; Epidermolysis bullosa simplex 5B, with muscular dystrophy. Last evaluated: 2024-11-21. Review status: criteria provided, single submitter. Criteria: Invitae Variant Classification Sherloc (09022015). Collection method: clinical testing. Allele origin: germline.
Comment: This sequence change replaces arginine, which is basic and polar, with histidine, which is basic and polar, at codon 2415 of the PLEC protein (p.Arg2415His). This variant is present in population databases (rs372811597, gnomAD 0.007%). This variant has not been reported in the literature in individuals affected with PLEC-related conditions. ClinVar contains an entry for this variant (Variation ID: 1392496). An algorithm developed to predict the effect of missense changes on protein structure and function outputs the following: PolyPhen-2: "Benign". The histidine amino acid residue is found in multiple mammalian species, which suggests that this missense change does not adversely affect protein function. In summary, the available evidence is currently insufficient to determine the role of this variant in disease. Therefore, it has been classified as a Variant of Uncertain Significance.

Ambry Genetics
Classification: Uncertain significance for Inborn genetic diseases. Last evaluated: 2024-07-27. Review status: criteria provided, single submitter. Criteria: Ambry Variant Classification Scheme 2023. Collection method: clinical testing. Allele origin: germline.

NM_201384.3(PLEC):c.7163G>A (p.Arg2388His)

Gene: PLEC (plectin; minus strand). Cytogenetic location: 8q24.3.
Variant type: single nucleotide variant.
Coding change: c.7163G>A on transcript NM_201384.3 (MANE Select); coding-DNA position 7163, G replaced by A.
Protein change: p.Arg2388His; replaces arginine 2388 with histidine.
Molecular consequence: missense variant.
Genome position (GRCh38, 1-based): chr8:143,922,766, C>T on the plus strand (G>A on the coding strand, the complement: PLEC is on the minus strand). VCF-style: chr8-143922766-C-T. GRCh37 (hg19) VCF-style: chr8-144996934-C-T.
Other names: p.Arg2415His; c.7244G>A, p.Arg2415His (NM_000445.5); c.7121G>A, p.Arg2374His (NM_201378.4); c.7097G>A, p.Arg2366His (NM_201379.3); c.7574G>A, p.Arg2525His (NM_201380.4); c.7067G>A, p.Arg2356His (NM_201381.3); c.7163G>A, p.Arg2388His (NM_201382.4); c.7175G>A, p.Arg2392His (NM_201383.3); and 1 more; short protein forms R2374H, R2415H, R2525H, R2392H, R2356H, R2366H, R2388H.
Identifiers: ClinVar variation 1392496 (VCV001392496.8), dbSNP rs372811597, ClinGen allele CA4925740.
Genomic context (GRCh38, chr8:143,922,766, plus strand): 5'-TTCCGGAAGCGCTGGGCGTCCTCCTCAGCGCGGGCCTGGGCTCGGCTCATCTCGGCCACA[C>T]GCAGCTTGAGGCGCTCAGCCTCAGCGCTCATCTCCAGCTGCCGCTGCCGCTCGGCCTCCA-3'
Protein context (NP_958786.1, residues 2378-2398): MSAEAERLKL[Arg2388His]VAEMSRAQAR